The following is an entry in ClinVar:

NM_000548.5(TSC2):c.5180A>T (p.His1727Leu)

Gene: TSC2 (TSC complex subunit 2; plus strand). Cytogenetic location: 16p13.3.
Variant type: single nucleotide variant.
Coding change: c.5180A>T on transcript NM_000548.5 (MANE Select); coding-DNA position 5180, A replaced by T.
Protein change: p.His1727Leu; replaces histidine 1727 with leucine.
Molecular consequence: missense variant.
Genome position (GRCh38, 1-based): chr16:2,088,246, A>T. VCF-style: chr16-2088246-A-T. GRCh37 (hg19) VCF-style: chr16-2138247-A-T.
Other names: c.4979A>T, p.His1660Leu (NM_001077183.3); c.5111A>T, p.His1704Leu (NM_001114382.3); c.4871A>T, p.His1624Leu (NM_001318827.2); c.4835A>T, p.His1612Leu (NM_001318829.2); c.4448A>T, p.His1483Leu (NM_001318831.2); c.5012A>T, p.His1671Leu (NM_001318832.2); c.4982A>T, p.His1661Leu (NM_001363528.2); c.5048A>T, p.His1683Leu (NM_001370404.1); and 2 more; short protein forms H1483L, H1612L, H1624L, H1660L, H1661L, H1671L, H1680L, H1683L.
Identifiers: ClinVar variation 1056977 (VCV001056977.9), dbSNP rs1596460080, ClinGen allele CA394314094.

ClinVar aggregate classification (germline): Uncertain significance (1 of 4 stars; one submission).

Conditions:
Tuberous sclerosis 2 (TSC2). Identifiers: Orphanet 805, MedGen C1860707, MONDO:0013199, OMIM 613254.

Submission:

Labcorp Genetics (formerly Invitae), Labcorp
Classification: Uncertain significance for Tuberous sclerosis 2. Last evaluated: 2020-01-27. Review status: criteria provided, single submitter. Criteria: Invitae Variant Classification Sherloc (09022015). Collection method: clinical testing. Allele origin: germline.
Comment: This variant is not present in population databases (ExAC no frequency). In summary, the available evidence is currently insufficient to determine the role of this variant in disease. Therefore, it has been classified as a Variant of Uncertain Significance. Algorithms developed to predict the effect of missense changes on protein structure and function are either unavailable or do not agree on the potential impact of this missense change (SIFT: "Tolerated"; PolyPhen-2: "Probably Damaging"; Align-GVGD: "Class C0"). This variant has not been reported in the literature in individuals with TSC2-related conditions. This sequence change replaces histidine with leucine at codon 1727 of the TSC2 protein (p.His1727Leu). The histidine residue is moderately conserved and there is a moderate physicochemical difference between histidine and leucine.